The following is an entry in ClinVar:

NM_004655.4(AXIN2):c.129C>T (p.Gly43=)

Gene: AXIN2 (axin 2; minus strand). Cytogenetic location: 17q24.1.
Variant type: single nucleotide variant.
Coding change: c.129C>T on transcript NM_004655.4 (MANE Select); coding-DNA position 129, C replaced by T.
Protein change: p.Gly43=; no amino-acid change (glycine 43 retained).
Molecular consequence: synonymous variant.
Genome position (GRCh38, 1-based): chr17:65,558,492, G>A on the plus strand (C>T on the coding strand, the complement: AXIN2 is on the minus strand). VCF-style: chr17-65558492-G-A. GRCh37 (hg19) VCF-style: chr17-63554610-G-A.
Other names: c.129C>T, p.Gly43= (NM_001363813.1); c.129C>T (LRG_296t1).
Identifiers: ClinVar variation 239982 (VCV000239982.15), dbSNP rs878854720, ClinGen allele CA10583665.
Genomic context (GRCh38, chr17:65,558,492, plus strand): 5'-CCCCAACCCATCTTCGTTCCGCCTGGTGTTGGAAGAGACAGGCATGGGTTTGGTGACCTG[G>A]CCCTTGCCCACCCCTGGCTGACACGGTGGGGTCTCCCCTTCTTCCCCTGGCACTGGGGGC-3'
Protein context (NP_004646.3, residues 33-53): TPPCQPGVGK[Gly43=]QVTKPMPVSS

ClinVar aggregate classification (germline): Benign/Likely benign. Review status: criteria provided, multiple submitters, no conflicts (2 of 4 stars). 4 submissions from 4 submitters: Benign (1); Likely benign (3). Last evaluated 2025-11-10.

Conditions:
Hereditary cancer-predisposing syndrome. Also called: Neoplastic Syndromes, Hereditary; Hereditary neoplastic syndrome; Tumor predisposition; Hereditary Cancer Syndrome. Identifiers: Orphanet 140162, MedGen C0027672, MeSH D009386, MONDO:0015356.
Oligodontia-cancer predisposition syndrome. Also called: TOOTH AGENESIS-COLORECTAL CANCER SYNDROME. Identifiers: Orphanet 300576, MedGen C1837750, MONDO:0012075, OMIM 608615. Disease mechanism: loss of function.

gnomAD v4.1: 7 of 1,611,852 alleles (0.00043%); highest among the groups gnomAD compares: East Asian, 0.0045%; no homozygotes.

Submissions (4):

Labcorp Genetics (formerly Invitae), Labcorp
Classification: Likely benign for Oligodontia-cancer predisposition syndrome. Last evaluated: 2025-11-10. Review status: criteria provided, single submitter. Criteria: Invitae Variant Classification Sherloc (09022015). Collection method: clinical testing. Allele origin: germline.

Myriad Genetics, Inc.
Classification: Benign for Oligodontia-cancer predisposition syndrome. Last evaluated: 2024-06-25. Review status: criteria provided, single submitter. Criteria: Myriad Autosomal Dominant, Autosomal Recessive and X-Linked Classification Criteria (2023). Collection method: clinical testing. Allele origin: unknown.
Comment: This variant is considered benign. This variant is a silent/synonymous amino acid change and it is not expected to impact splicing.

Ambry Genetics
Classification: Likely benign for Hereditary cancer-predisposing syndrome. Last evaluated: 2022-04-25. Review status: criteria provided, single submitter. Criteria: Ambry Variant Classification Scheme 2023. Collection method: clinical testing. Allele origin: germline.

GeneDx
Classification: Likely benign. Last evaluated: 2016-06-27. Review status: criteria provided, single submitter. Criteria: GeneDx Variant Classification (06012015). Collection method: clinical testing. Allele origin: germline. Affected: yes.
Comment: This variant is considered likely benign or benign based on one or more of the following criteria: it is a conservative change, it occurs at a poorly conserved position in the protein, it is predicted to be benign by multiple in silico algorithms, and/or has population frequency not consistent with disease.